The following is an entry in ClinVar:

NM_007217.4(PDCD10):c.211dup (p.Ser71fs)

Gene: PDCD10 (programmed cell death 10; minus strand). Cytogenetic location: 3q26.1.
Variant type: Duplication.
Coding change: c.211dup on transcript NM_007217.4 (MANE Select); coding-DNA position 211, one base duplicated (A; older notation c.211dupA).
Protein change: p.Ser71fs; shifts the reading frame from serine 71.
Molecular consequence: frameshift variant.
Genome position (GRCh38, 1-based): chr3:167,697,066, T duplicated on the plus strand (A on the coding strand, the reverse complement: PDCD10 is on the minus strand); the first of 7 consecutive T bases (chr3:167,697,066-167,697,072); duplicating any one gives the same sequence. VCF-style (leftmost placement, unchanged base first): chr3-167697065-C-CT. GRCh37 (hg19) VCF-style: chr3-167414853-C-CT.
Other names: c.211dup, p.Ser71fs (NM_145859.2, NM_145860.2); short protein forms S71fs.
Identifiers: ClinVar variation 1076520 (VCV001076520.8), dbSNP rs2108409355, ClinGen allele CA2499216579.
Genomic context (GRCh38, chr3:167,697,065, plus strand): 5'-TTACCTTCTACATCATCAGCTGCCATACGAAGAAGGGACTCCGTGAAGTTAACTTCCACG[C>CT]TTTTTTTCTCTAAAATTTTCATAATGATGTCTTGTGTGAGACCTGGATTTTCTTTTTCAG-3'

ClinVar aggregate classification (germline): Pathogenic. Review status: criteria provided, multiple submitters, no conflicts (2 of 4 stars). 2 submissions from 2 submitters: Pathogenic (2). Last evaluated 2022-11-24.

Conditions:
Cerebral cavernous malformation 3. Also called: Familial Cerebral Cavernous Malformation 3. Identifiers: Orphanet 221061, MedGen C1864040, MONDO:0011305, OMIM 603285.
PDCD10-related disorder. Also called: PDCD10-related condition.

Submissions (2):

Blueprint Genetics
Classification: Pathogenic for PDCD10-related disorders. Last evaluated: 2022-11-24. Review status: criteria provided, single submitter. Criteria: ACMG Guidelines, 2015. Collection method: clinical testing. Allele origin: germline. Affected: yes. Observed: 2 variant alleles.

Labcorp Genetics (formerly Invitae), Labcorp
Classification: Pathogenic for Cerebral cavernous malformation 3. Last evaluated: 2020-01-23. Review status: criteria provided, single submitter. Criteria: Invitae Variant Classification Sherloc (09022015). Collection method: clinical testing. Allele origin: germline.
Comment: For these reasons, this variant has been classified as Pathogenic. Loss-of-function variants in PDCD10 are known to be pathogenic (PMID: 15543491, 18300272, 23801932). This variant has not been reported in the literature in individuals with PDCD10-related conditions. This variant is not present in population databases (ExAC no frequency). This sequence change creates a premature translational stop signal (p.Ser71Lysfs*5) in the PDCD10 gene. It is expected to result in an absent or disrupted protein product.

Literature cited by the submitters: PubMed 15543491 (cited by Labcorp Genetics (formerly Invitae), Labcorp); PubMed 18300272 (cited by Labcorp Genetics (formerly Invitae), Labcorp); PubMed 23801932 (cited by Labcorp Genetics (formerly Invitae), Labcorp).